The following is an entry in ClinVar:

ClinVar aggregate classification (germline): Uncertain significance (1 of 4 stars; one submission).

Submission:

Dasa
Classification: Uncertain significance. Last evaluated: 2025-05-20. Review status: criteria provided, single submitter. Criteria: DASA Assertion Criteria. Collection method: clinical testing. Allele origin: germline.
Comment: NM_018117.12(WDR11):c.2983_2985del (p.Asp995del) is an in-frame deletion predicted to remove aspartic acid at protein position 995 without shifting the reading frame. This variant is absent from population databases. The currently available literature and clinical evidence are not sufficient to establish a definitive association between this variant and the reported condition. Therefore, this variant is classified as a variant of uncertain significance.

NM_018117.12(WDR11):c.2983_2985del (p.Asp995del)

Gene: WDR11 (WD repeat domain 11; plus strand). Cytogenetic location: 10q26.12.
Variant type: Deletion.
Coding change: c.2983_2985del on transcript NM_018117.12 (MANE Select); coding-DNA positions 2983 to 2985, 3 bases deleted (GAT; older notation c.2983_2985delGAT).
Protein change: p.Asp995del; deletes aspartic acid 995.
Molecular consequence: inframe deletion.
Genome position (GRCh38, 1-based): chr10:120,904,098-120,904,100, GAT deleted; deleting any 3 consecutive bases within chr10:120,904,096-120,904,100 gives the same sequence; the c. name uses the placement nearest the transcript's 3' end. VCF-style (leftmost placement, unchanged base first): chr10-120904095-TATG-T. GRCh37 (hg19) VCF-style: chr10-122663607-TATG-T.
Other names: short protein forms D995del.
Identifiers: ClinVar variation 4884035 (VCV004884035.2).
Genomic context (GRCh38, chr10:120,904,095, plus strand): 5'-TTCCAATTCTAGAAATTTCAGCTAGAAAGGGTTAATCTGCAGGAAGTGAAACGGTCAACT[TATG>T]ATCATACAAGGAAATGTACAGACCAGCTACTGCTCTTGGGTCAAGTATGTCAGTTTTTAT-3'